The following is an entry in ClinVar:

ClinVar aggregate classification (germline): Uncertain significance (1 of 4 stars; one submission).

Conditions:
Treacher Collins syndrome 1 (TCS1). Also called: TCOF1-Related Treacher Collins Syndrome. Identifiers: Orphanet 861, MedGen CN315775, MONDO:0007944, OMIM 154500.

Allele frequency attached by ClinVar (database versions not stated): TOPMed 0.00001.

Submission:

Labcorp Genetics (formerly Invitae), Labcorp
Classification: Uncertain significance for Treacher Collins syndrome 1. Last evaluated: 2022-11-14. Review status: criteria provided, single submitter. Criteria: Invitae Variant Classification Sherloc (09022015). Collection method: clinical testing. Allele origin: germline.
Comment: This sequence change replaces lysine, which is basic and polar, with arginine, which is basic and polar, at codon 264 of the TCOF1 protein (p.Lys264Arg). This variant is not present in population databases (gnomAD no frequency). This variant has not been reported in the literature in individuals affected with TCOF1-related conditions. Algorithms developed to predict the effect of missense changes on protein structure and function output the following: SIFT: "Tolerated"; PolyPhen-2: "Benign"; Align-GVGD: "Class C0". The arginine amino acid residue is found in multiple mammalian species, which suggests that this missense change does not adversely affect protein function. In summary, the available evidence is currently insufficient to determine the role of this variant in disease. Therefore, it has been classified as a Variant of Uncertain Significance.

NM_001371623.1(TCOF1):c.791A>G (p.Lys264Arg)

Gene: TCOF1 (treacle ribosome biogenesis factor 1; plus strand). Cytogenetic location: 5q32.
Variant type: single nucleotide variant.
Coding change: c.791A>G on transcript NM_001371623.1 (MANE Select); coding-DNA position 791, A replaced by G.
Protein change: p.Lys264Arg; replaces lysine 264 with arginine.
Molecular consequence: missense variant. On other transcripts: intron variant (2).
Genome position (GRCh38, 1-based): chr5:150,372,157, A>G. VCF-style: chr5-150372157-A-G. GRCh37 (hg19) VCF-style: chr5-149751720-A-G.
Other names: c.791A>G, p.Lys264Arg (NM_001008657.3, NM_001135243.2, NM_001135244.2 and 1 more transcripts); c.640-2017A>G (NM_001135245.2, NM_000356.4); short protein forms K264R.
Identifiers: ClinVar variation 2969506 (VCV002969506.3), dbSNP rs1762686508, ClinGen allele CA361739655.
Genomic context (GRCh38, chr5:150,372,157, plus strand): 5'-AGGTGGGGGATGTGACACCCCAGGTCAAAGGAGGGGCCCTGCCCCCAGCCAAGAGGGCCA[A>G]GAAGCCAGAAGAGGAGTCAGAGAGTAGTGAGGAGGGATCTGAAAGTGAGGAGGAGGCCCC-3'
Protein context (NP_001358552.1, residues 254-274): GGALPPAKRA[Lys264Arg]KPEEESESSE